The following is an entry in ClinVar:

NM_001848.3(COL6A1):c.2809A>G (p.Lys937Glu)

Gene: COL6A1 (collagen type VI alpha 1 chain; plus strand). Cytogenetic location: 21q22.3.
Variant type: single nucleotide variant.
Coding change: c.2809A>G on transcript NM_001848.3 (MANE Select); coding-DNA position 2809, A replaced by G.
Protein change: p.Lys937Glu; replaces lysine 937 with glutamic acid.
Molecular consequence: missense variant.
Genome position (GRCh38, 1-based): chr21:46,003,735, A>G. VCF-style: chr21-46003735-A-G. GRCh37 (hg19) VCF-style: chr21-47423649-A-G.
Other names: short protein forms K937E.
Identifiers: ClinVar variation 196954 (VCV000196954.52), dbSNP rs117583120, ClinGen allele CA244794.

ClinVar aggregate classification (germline): Conflicting classifications of pathogenicity. Review status: criteria provided, conflicting classifications (1 of 4 stars). 10 submissions from 10 submitters: Uncertain significance (3); Benign (1); Likely benign (4). 2 of the submissions do not count toward it. Last evaluated 2026-01-28.

Conditions:
Collagen 6-related myopathy. Identifiers: MedGen CN117976, MONDO:0100225.
Bethlem myopathy 1A. Also called: MYOPATHY, BENIGN CONGENITAL, WITH CONTRACTURES; Bethlem myopathy 1; Bethlem Muscular Dystrophy. Identifiers: Orphanet 610, MedGen CN029274, MONDO:0024530, OMIM 158810.

Allele frequency attached by ClinVar (database versions not stated): 1000 Genomes Project 0.00040; 1000 Genomes Project 30x 0.00047; gnomAD 0.00061; TOPMed 0.00082; ESP Exome Variant Server 0.00115.
gnomAD v4.1: 2,033 of 1,612,900 alleles (0.13%); highest among the groups gnomAD compares: Non-Finnish European, 0.17%; 2 homozygotes.

Submissions (10):

Labcorp Genetics (formerly Invitae), Labcorp
Classification: Likely benign for Bethlem myopathy 1A. Last evaluated: 2026-01-28. Review status: criteria provided, single submitter. Criteria: Invitae Variant Classification Sherloc (09022015). Collection method: clinical testing. Allele origin: germline.

CeGaT Center for Human Genetics Tuebingen
Classification: Uncertain significance. Last evaluated: 2025-09-01. Review status: criteria provided, single submitter. Criteria: CeGaT Center For Human Genetics Tuebingen Variant Classification Criteria Version 2. Collection method: clinical testing. Allele origin: germline. Affected: yes. Observed: 3 variant alleles.
Comment: COL6A1: PP3

Blueprint Genetics
Classification: Likely benign. Last evaluated: 2024-09-24. Review status: criteria provided, single submitter. Criteria: ACMG Guidelines, 2015. Collection method: clinical testing. Allele origin: germline.

GeneDx
Classification: Likely benign. Last evaluated: 2021-02-25. Review status: criteria provided, single submitter. Criteria: GeneDx Variant Classification Process June 2021. Collection method: clinical testing. Allele origin: germline. Affected: yes.
Comment: This variant is associated with the following publications: (PMID: 24036952, 30564623)

Athena Diagnostics
Classification: Likely benign. Last evaluated: 2018-11-26. Review status: criteria provided, single submitter. Criteria: Athena Diagnostics Criteria. Collection method: clinical testing. Allele origin: germline.

Eurofins Ntd Llc (ga)
Classification: Uncertain significance. Last evaluated: 2018-07-19. Review status: criteria provided, single submitter. Criteria: EGL ClinVar v180209 classification definitions. Collection method: clinical testing. Allele origin: germline. Observed: 21 variant alleles, 21 heterozygotes.

Illumina Laboratory Services, Illumina
Classification: Benign for Collagen VI-related myopathy. Last evaluated: 2018-01-13. Review status: criteria provided, single submitter. Criteria: ICSL Variant Classification Criteria 13 December 2019. Collection method: clinical testing. Allele origin: germline.
Comment: This variant was observed in the ICSL laboratory as part of a predisposition screen in an ostensibly healthy population. It had not been previously curated by ICSL or reported in the Human Gene Mutation Database (HGMD: prior to June 1st, 2018), and was therefore a candidate for classification through an automated scoring system. Utilizing variant allele frequency, disease prevalence and penetrance estimates, and inheritance mode, an automated score was calculated to assess if this variant is too frequent to cause the disease. Based on the score and internal cut-off values, a variant classified as benign is not then subjected to further curation. The score for this variant resulted in a classification of benign for this disease.

Center for Pediatric Genomic Medicine, Children's Mercy Hospital and Clinics
Classification: Uncertain significance. Last evaluated: 2016-11-08. Review status: criteria provided, single submitter. Criteria: ACMG Guidelines, 2015. Collection method: clinical testing. Allele origin: germline.
ClinVar note: Converted during submission from Uncertain Significance to Uncertain significance.

Genome Diagnostics Laboratory, Amsterdam University Medical Center
Classification: Uncertain significance. Review status: no assertion criteria provided. Collection method: clinical testing. Allele origin: germline. Affected: yes. Study: VKGL Data-share Consensus. Not counted in ClinVar's aggregate classification.

Joint Genome Diagnostic Labs from Nijmegen and Maastricht, Radboudumc and MUMC+
Classification: Uncertain significance. Review status: no assertion criteria provided. Collection method: clinical testing. Allele origin: germline. Affected: yes. Study: VKGL Data-share Consensus. Not counted in ClinVar's aggregate classification.